The following is an entry in ClinVar:

ClinVar aggregate classification (germline): Likely benign (1 of 4 stars; one submission).

Allele frequency attached by ClinVar (database versions not stated): gnomAD exomes below 0.00001.
gnomAD v4.1: 1 of 1,614,030 alleles (0.000062%); highest among the groups gnomAD compares: Non-Finnish European, 0.000085%; no homozygotes.

Submission:

GeneDx
Classification: Likely benign. Last evaluated: 2016-02-17. Review status: criteria provided, single submitter. Criteria: GeneDx Variant Classification (06012015). Collection method: clinical testing. Allele origin: germline. Affected: yes.
Comment: This variant is considered likely benign or benign based on one or more of the following criteria: it is a conservative change, it occurs at a poorly conserved position in the protein, it is predicted to be benign by multiple in silico algorithms, and/or has population frequency not consistent with disease.

NM_002397.5(MEF2C):c.527C>A (p.Ser176Tyr)

Gene: MEF2C (myocyte enhancer factor 2C; minus strand). Cytogenetic location: 5q14.3.
Variant type: single nucleotide variant.
Coding change: c.527C>A on transcript NM_002397.5 (MANE Select); coding-DNA position 527, C replaced by A.
Protein change: p.Ser176Tyr; replaces serine 176 with tyrosine.
Molecular consequence: missense variant.
Genome position (GRCh38, 1-based): chr5:88,751,919, G>T on the plus strand (C>A on the coding strand, the complement: MEF2C is on the minus strand). VCF-style: chr5-88751919-G-T. GRCh37 (hg19) VCF-style: chr5-88047736-G-T.
Other names: c.521C>A, p.Ser174Tyr (NM_001131005.2, NM_001364343.2, NM_001364352.2); c.581C>A, p.Ser194Tyr (NM_001193347.1, NM_001364338.2); c.383C>A, p.Ser128Tyr (NM_001193348.1, NM_001193349.3, NM_001364332.2 and 3 more transcripts); c.527C>A, p.Ser176Tyr (NM_001193350.2, NM_001308002.3, NM_001363581.2 and 18 more transcripts); c.149C>A, p.Ser50Tyr (NM_001364353.2, NM_001364356.2); c.101C>A, p.Ser34Tyr (NM_001364357.2); short protein forms S174Y, S176Y, S128Y, S194Y, S34Y, S50Y.
Identifiers: ClinVar variation 381860 (VCV000381860.1), dbSNP rs1057521189, ClinGen allele CA16604989.